The following is an entry in ClinVar:

NM_000352.6(ABCC8):c.4647C>T (p.Ile1549=)

Gene: ABCC8 (ATP binding cassette subfamily C member 8; minus strand). Cytogenetic location: 11p15.1.
Variant type: single nucleotide variant.
Coding change: c.4647C>T on transcript NM_000352.6 (MANE Select); coding-DNA position 4647, C replaced by T.
Protein change: p.Ile1549=; no amino-acid change (isoleucine 1549 retained).
Molecular consequence: synonymous variant. On other transcripts: non-coding transcript variant (1).
Genome position (GRCh38, 1-based): chr11:17,393,090, G>A on the plus strand (C>T on the coding strand, the complement: ABCC8 is on the minus strand). VCF-style: chr11-17393090-G-A. GRCh37 (hg19) VCF-style: chr11-17414637-G-A.
Other names: c.4650C>T, p.Ile1550= (NM_001287174.3); c.4713C>T, p.Ile1571= (NM_001351295.2); c.4647C>T, p.Ile1549= (NM_001351296.2); c.4644C>T, p.Ile1548= (NM_001351297.2).
Identifiers: ClinVar variation 303748 (VCV000303748.19), dbSNP rs367862706, ClinGen allele CA5902392.

ClinVar aggregate classification (germline): Conflicting classifications of pathogenicity. Review status: criteria provided, conflicting classifications (1 of 4 stars). 8 submissions from 5 submitters: Uncertain significance (4); Benign (1); Likely benign (3). Last evaluated 2025-12-29.

Conditions:
Inborn genetic diseases. Identifiers: MedGen C0950123, MeSH D030342.
Diabetes mellitus, transient neonatal, 2 (TNDM2). Identifiers: Orphanet 99886, MedGen C1835887, MONDO:0012480, OMIM 610374. Disease mechanism: loss of function.
Hyperinsulinemic hypoglycemia, familial, 1 (HHF1). Also called: HYPERINSULINISM, FAMILIAL, WITH PANCREATIC NESIDIOBLASTOSIS; HYPOGLYCEMIA, HYPERINSULINEMIC, OF INFANCY; Persistent hyperinsulinemic hypoglycemia of infancy; NESIDIOBLASTOSIS OF PANCREAS; Persistent Hyperinsulinemia Hypoglycemia of Infancy. Identifiers: Orphanet 276575, Orphanet 276598, MedGen C2931832, MONDO:0009734, OMIM 256450.
Maturity-onset diabetes of the young (MODY). Also called: Maturity onset diabetes mellitus in young. Identifiers: Orphanet 552, MedGen C0342276, MONDO:0018911, HP:0004904.
Permanent neonatal diabetes mellitus (PNDM). Identifiers: Orphanet 99885, MedGen C1833104, MONDO:0100164, MONDO:0011643. Disease mechanism: gain of function.
Transitory neonatal diabetes mellitus. Also called: Transient neonatal diabetes mellitus. Identifiers: MedGen C0342273, MONDO:0020525, HP:0008255.

Allele frequency attached by ClinVar (database versions not stated): gnomAD exomes 0.00002 and 0.00006; ExAC 0.00004; gnomAD 0.00004 and 0.00006; TOPMed 0.00006; ESP Exome Variant Server 0.00008; 1000 Genomes Project 30x 0.00031; 1000 Genomes Project 0.00040.
gnomAD v4.1: 49 of 1,612,802 alleles (0.003%); highest among the groups gnomAD compares: East Asian, 0.054%; 1 homozygote.

Submissions (8):

Labcorp Genetics (formerly Invitae), Labcorp
Classification: Likely benign. Last evaluated: 2025-12-29. Review status: criteria provided, single submitter. Criteria: Invitae Variant Classification Sherloc (09022015). Collection method: clinical testing. Allele origin: germline.

Blueprint Genetics
Classification: Likely benign. Last evaluated: 2024-01-22. Review status: criteria provided, single submitter. Criteria: ACMG Guidelines, 2015. Collection method: clinical testing. Allele origin: germline.

Ambry Genetics
Classification: Likely benign for Inborn genetic diseases. Last evaluated: 2021-08-10. Review status: criteria provided, single submitter. Criteria: Ambry Variant Classification Scheme 2023. Collection method: clinical testing. Allele origin: germline.

Illumina Laboratory Services, Illumina
Classification: Uncertain significance for Hyperinsulinemic hypoglycemia, familial, 1. Last evaluated: 2018-01-13. Review status: criteria provided, single submitter. Criteria: ICSL Variant Classification Criteria 13 December 2019. Collection method: clinical testing. Allele origin: germline.

Illumina Laboratory Services, Illumina
Classification: Benign for Diabetes mellitus, transient neonatal, 2. Last evaluated: 2018-01-13. Review status: criteria provided, single submitter. Criteria: ICSL Variant Classification Criteria 13 December 2019. Collection method: clinical testing. Allele origin: germline.
Comment: This variant was observed in the ICSL laboratory as part of a predisposition screen in an ostensibly healthy population. It had not been previously curated by ICSL or reported in the Human Gene Mutation Database (HGMD: prior to June 1st, 2018), and was therefore a candidate for classification through an automated scoring system. Utilizing variant allele frequency, disease prevalence and penetrance estimates, and inheritance mode, an automated score was calculated to assess if this variant is too frequent to cause the disease. Based on the score and internal cut-off values, a variant classified as benign is not then subjected to further curation. The score for this variant resulted in a classification of benign for this disease.

Illumina Laboratory Services, Illumina
Classification: Uncertain significance for Permanent neonatal diabetes mellitus 1. Last evaluated: 2018-01-13. Review status: criteria provided, single submitter. Criteria: ICSL Variant Classification Criteria 13 December 2019. Collection method: clinical testing. Allele origin: germline.

Clinical Genomics, Uppaluri K&H Personalized Medicine Clinic
Classification: Uncertain significance for Transitory neonatal diabetes mellitus. Review status: criteria provided, single submitter. Criteria: K & H Uppaluri Personalized Medicine Clinic Variant Classification & Assertion Criteria_Updated V.1. Collection method: research. Allele origin: somatic. Inheritance: Somatic mutation.
Comment: Mutations in ABCC8 gene are associated with both neonatal diabetes mellitus as well as MODY. Patients with this mutation may have a better response to sulfonylureas. However, no sufficient evidence is found to ascertain the role of this particular variant (rs367862706) in neonatal diabetes yet.

Clinical Genomics, Uppaluri K&H Personalized Medicine Clinic
Classification: Uncertain significance for Maturity-onset diabetes of the young. Review status: criteria provided, single submitter. Criteria: K & H Uppaluri Personalized Medicine Clinic Variant Classification & Assertion Criteria_Updated V.1. Collection method: research. Allele origin: somatic. Inheritance: Somatic mutation.
Comment: Mutations in ABCC8 gene are associated with both neonatal diabetes mellitus as well as MODY. Patients with this mutation may have a better response to sulfonylureas. However, no sufficient evidence is found to ascertain the role of this particular variant ( rs367862706 ) in MODY yet.

Literature cited by the submitters: PubMed 16885549 (cited by Clinical Genomics, Uppaluri K&H Personalized Medicine Clinic); PubMed 21989597 (cited by Clinical Genomics, Uppaluri K&H Personalized Medicine Clinic); PubMed 27538677 (cited by Clinical Genomics, Uppaluri K&H Personalized Medicine Clinic); PubMed 18981553 (cited by Clinical Genomics, Uppaluri K&H Personalized Medicine Clinic); PubMed 32027066 (cited by Clinical Genomics, Uppaluri K&H Personalized Medicine Clinic); PubMed 16613899 (cited by Clinical Genomics, Uppaluri K&H Personalized Medicine Clinic); PubMed 18025408 (cited by Clinical Genomics, Uppaluri K&H Personalized Medicine Clinic); PubMed 32792356 (cited by Clinical Genomics, Uppaluri K&H Personalized Medicine Clinic).